The following is an entry in ClinVar:

NM_012082.4(ZFPM2):c.2021G>A (p.Ser674Asn)

Genes: ZFPM2 (zinc finger protein, FOG family member 2; plus strand), ZFPM2-AS1 (ZFPM2 antisense RNA 1; minus strand). Cytogenetic location: 8q23.1.
Variant type: single nucleotide variant.
Coding change: c.2021G>A on transcript NM_012082.4 (MANE Select); coding-DNA position 2021, G replaced by A.
Protein change: p.Ser674Asn; replaces serine 674 with asparagine.
Molecular consequence: missense variant.
Genome position (GRCh38, 1-based): chr8:105,802,103, G>A. VCF-style: chr8-105802103-G-A. GRCh37 (hg19) VCF-style: chr8-106814331-G-A.
Other names: c.1862G>A, p.Ser621Asn (NM_001362836.2); c.1625G>A, p.Ser542Asn (NM_001362837.2); short protein forms S542N, S621N, S674N.
Identifiers: ClinVar variation 3045797 (VCV003045797.2), dbSNP rs1400566117, ClinGen allele CA371952926.
Genomic context (GRCh38, chr8:105,802,103, plus strand): 5'-CCACCTCCAGTAACAATGATGACAAAATTAATGGAAAACCTGTTGATGTGAAAAATCCCA[G>A]TGTCCCCTTAGTGGATGGGGAAAGTGACCCAAATAAGACTACCTGTGAAGCTTGCAACAT-3'
Protein context (NP_036214.2, residues 664-684): NGKPVDVKNP[Ser674Asn]VPLVDGESDP

ClinVar aggregate classification (germline): Uncertain significance (0 of 4 stars; one submission).

Conditions:
ZFPM2-related disorder. Also called: ZFPM2-related condition.

Allele frequency attached by ClinVar (database versions not stated): gnomAD exomes below 0.00001; gnomAD 0.00001; TOPMed 0.00002.
gnomAD v4.1: 3 of 1,613,740 alleles (0.00019%); highest among the groups gnomAD compares: African/African-American, 0.0027%; no homozygotes.

Submission:

PreventionGenetics, part of Exact Sciences
Classification: Uncertain significance for ZFPM2-related condition. Last evaluated: 2024-01-02. Review status: no assertion criteria provided. Collection method: clinical testing. Allele origin: germline.
Comment: The ZFPM2 c.2021G>A variant is predicted to result in the amino acid substitution p.Ser674Asn. To our knowledge, this variant has not been reported in the literature. This variant is reported in 0.034% of alleles in individuals of African descent in gnomAD. At this time, the clinical significance of this variant is uncertain due to the absence of conclusive functional and genetic evidence.